The following is an entry in ClinVar:

NM_001182.5(ALDH7A1):c.1073G>T (p.Arg358Leu)

Gene: ALDH7A1 (aldehyde dehydrogenase 7 family member A1; minus strand). Cytogenetic location: 5q23.2.
Variant type: single nucleotide variant.
Coding change: c.1073G>T on transcript NM_001182.5 (MANE Select); coding-DNA position 1073, G replaced by T.
Protein change: p.Arg358Leu; replaces arginine 358 with leucine.
Molecular consequence: missense variant. On other transcripts: intron variant (1).
Genome position (GRCh38, 1-based): chr5:126,555,951, C>A on the plus strand (G>T on the coding strand, the complement: ALDH7A1 is on the minus strand). VCF-style: chr5-126555951-C-A. GRCh37 (hg19) VCF-style: chr5-125891643-C-A.
Other names: c.989G>T, p.Arg330Leu (NM_001201377.2); c.1008+3289G>T (NM_001202404.2); short protein forms R358L, R330L.
Identifiers: ClinVar variation 590185 (VCV000590185.12), dbSNP rs144671885, ClinGen allele CA3389542.

ClinVar aggregate classification (germline): Uncertain significance. Review status: criteria provided, multiple submitters, no conflicts (2 of 4 stars). 3 submissions from 3 submitters: Uncertain significance (3). Last evaluated 2023-04-11.

Conditions:
Inborn genetic diseases. Identifiers: MedGen C0950123, MeSH D030342.
Pyridoxine-dependent epilepsy (EPEO4). Also called: Pyridoxine-Dependent Epilepsy - ALDH7A1; EPILEPSY, EARLY-ONSET, 4, VITAMIN B6-DEPENDENT; PYRIDOXINE DEPENDENCY WITH SEIZURES; Pyridoxine-Dependent Seizures. Identifiers: Orphanet 3006, MedGen C1849508, MONDO:0009945, OMIM 266100. Disease mechanism: loss of function.

Allele frequency attached by ClinVar (database versions not stated): ExAC 0.00001; TOPMed 0.00006; gnomAD 0.00003; ESP Exome Variant Server 0.00008.
gnomAD v4.1: 15 of 1,613,150 alleles (0.00093%); highest among the groups gnomAD compares: African/African-American, 0.016%; no homozygotes.

Submissions (3):

Genome-Nilou Lab
Classification: Uncertain significance for Pyridoxine-dependent epilepsy. Last evaluated: 2023-04-11. Review status: criteria provided, single submitter. Criteria: ACMG Guidelines, 2015. Collection method: clinical testing. Allele origin: germline. Affected: no.

Labcorp Genetics (formerly Invitae), Labcorp
Classification: Uncertain significance for Pyridoxine-dependent epilepsy. Last evaluated: 2021-08-31. Review status: criteria provided, single submitter. Criteria: Invitae Variant Classification Sherloc (09022015). Collection method: clinical testing. Allele origin: germline.
Comment: This sequence change replaces arginine with leucine at codon 358 of the ALDH7A1 protein (p.Arg358Leu). The arginine residue is highly conserved and there is a moderate physicochemical difference between arginine and leucine. This variant is present in population databases (rs144671885, ExAC 0.01%). This variant has not been reported in the literature in individuals affected with ALDH7A1-related conditions. ClinVar contains an entry for this variant (Variation ID: 590185). Algorithms developed to predict the effect of missense changes on protein structure and function (SIFT, PolyPhen-2, Align-GVGD) all suggest that this variant is likely to be disruptive. In summary, the available evidence is currently insufficient to determine the role of this variant in disease. Therefore, it has been classified as a Variant of Uncertain Significance.

Ambry Genetics
Classification: Uncertain significance for Inborn genetic diseases. Last evaluated: 2017-01-04. Review status: criteria provided, single submitter. Criteria: Ambry Variant Classification Scheme 2023. Collection method: clinical testing. Allele origin: germline.
Comment: The p.R358L variant (also known as c.1073G>T), located in coding exon 12 of the ALDH7A1 gene, results from a G to T substitution at nucleotide position 1073. The arginine at codon 358 is replaced by leucine, an amino acid with dissimilar properties. This amino acid position is well conserved in available vertebrate species. In addition, the in silico prediction for this alteration is inconclusive. Since supporting evidence is limited at this time, the clinical significance of this alteration remains unclear.